The following is an entry in ClinVar:

NC_000005.10:g.112707357T>A

Gene: APC (APC regulator of Wnt signaling pathway; plus strand). Cytogenetic location: 5q22.2.
Variant type: single nucleotide variant.
Genome position: GRCh38 VCF-style: chr5-112707357-T-A. GRCh37 (hg19) VCF-style: chr5-112043054-T-A.
Identifiers: ClinVar variation 641966 (VCV000641966.9), dbSNP rs1580995308, ClinGen allele CA915943566.

ClinVar aggregate classification (germline): Uncertain significance (1 of 4 stars; one submission).

Conditions:
Familial adenomatous polyposis 1 (FAP1). Also called: FAMILIAL ADENOMATOUS POLYPOSIS 1, ATTENUATED; POLYPOSIS, ADENOMATOUS INTESTINAL. Identifiers: MedGen C2713442, MONDO:0021056, OMIM 175100. Disease mechanism: loss of function.

Allele frequency attached by ClinVar (database versions not stated): gnomAD exomes 0.00001.

Submission:

Labcorp Genetics (formerly Invitae), Labcorp
Classification: Uncertain significance for Familial adenomatous polyposis 1. Last evaluated: 2024-10-22. Review status: criteria provided, single submitter. Criteria: Invitae Variant Classification Sherloc (09022015). Collection method: clinical testing. Allele origin: germline.
Comment: This variant occurs in a non-coding region of the APC gene. It does not change the encoded amino acid sequence of the APC protein. This variant is not present in population databases (gnomAD no frequency). This variant has not been reported in the literature in individuals affected with APC-related conditions. ClinVar contains an entry for this variant (Variation ID: 641966). Experimental studies and prediction algorithms are not available or were not evaluated, and the functional significance of this variant is currently unknown. In summary, the available evidence is currently insufficient to determine the role of this variant in disease. Therefore, it has been classified as a Variant of Uncertain Significance.